The following is an entry in ClinVar:

NM_001377540.1(SLMAP):c.1126G>C (p.Ala376Pro)

Gene: SLMAP (sarcolemma associated protein; plus strand). Cytogenetic location: 3p14.3.
Variant type: single nucleotide variant.
Coding change: c.1126G>C on transcript NM_001377540.1 (MANE Select); coding-DNA position 1126, G replaced by C.
Protein change: p.Ala376Pro; replaces alanine 376 with proline.
Molecular consequence: missense variant. On other transcripts: non-coding transcript variant (1).
Genome position (GRCh38, 1-based): chr3:57,864,707, G>C. VCF-style: chr3-57864707-G-C. GRCh37 (hg19) VCF-style: chr3-57850434-G-C.
Other names: c.1126G>C, p.Ala376Pro (NM_001304420.3, NM_001304421.2, NM_001377538.1 and 17 more transcripts); short protein forms A376P.
Identifiers: ClinVar variation 3225993 (VCV003225993.1), dbSNP rs765789251, ClinGen allele CA353409510.

ClinVar aggregate classification (germline): Uncertain significance (1 of 4 stars; one submission).

gnomAD v4.1: 3 of 1,591,506 alleles (0.00019%); highest among the groups gnomAD compares: Non-Finnish European, 0.00026%; no homozygotes.

Submission:

Ambry Genetics
Classification: Uncertain significance. Last evaluated: 2024-02-23. Review status: criteria provided, single submitter. Criteria: Ambry Variant Classification Scheme 2023. Collection method: clinical testing. Allele origin: germline.
Comment: The p.A376P variant (also known as c.1126G>C), located in coding exon 10 of the SLMAP gene, results from a G to C substitution at nucleotide position 1126. The alanine at codon 376 is replaced by proline, an amino acid with highly similar properties. This amino acid position is conserved. In addition, the in silico prediction for this alteration is inconclusive. Based on the available evidence, the clinical significance of this alteration remains unclear.